The following is an entry in ClinVar:

ClinVar aggregate classification (germline): Uncertain significance (1 of 4 stars; one submission).

Conditions:
Autosomal dominant nonsyndromic hearing loss 65. Also called: Deafness, autosomal dominant 65; TBC1D24-Related Autosomal Dominant Nonsyndromic Hearing Loss (DFNA). Identifiers: Orphanet 90635, MedGen C3892048, MONDO:0014470, OMIM 616044.
Developmental and epileptic encephalopathy, 1 (DEE1). Also called: X-linked infantile spasms; West's syndrome; Tonic spasms with clustering, arrest of psychomotor development and hypsarrhythmia on EEG; X-Linked Infantile Spasm Syndrome; OHTAHARA SYNDROME, X-LINKED; INFANTILE SPASM SYNDROME, X-LINKED 1. Identifiers: MedGen C3463992, MONDO:0010632, OMIM 308350. Disease mechanism: loss of function.

Submission:

Labcorp Genetics (formerly Invitae), Labcorp
Classification: Uncertain significance for Developmental and epileptic encephalopathy, 1; Autosomal dominant nonsyndromic hearing loss 65. Last evaluated: 2023-05-29. Review status: criteria provided, single submitter. Criteria: Invitae Variant Classification Sherloc (09022015). Collection method: clinical testing. Allele origin: germline.
Comment: In summary, the available evidence is currently insufficient to determine the role of this variant in disease. Therefore, it has been classified as a Variant of Uncertain Significance. Advanced modeling of protein sequence and biophysical properties (such as structural, functional, and spatial information, amino acid conservation, physicochemical variation, residue mobility, and thermodynamic stability) performed at Invitae indicates that this missense variant is not expected to disrupt TBC1D24 protein function. ClinVar contains an entry for this variant (Variation ID: 2125298). This variant has not been reported in the literature in individuals affected with TBC1D24-related conditions. This variant is not present in population databases (gnomAD no frequency). This sequence change replaces phenylalanine, which is neutral and non-polar, with serine, which is neutral and polar, at codon 95 of the TBC1D24 protein (p.Phe95Ser).

NM_001199107.2(TBC1D24):c.284T>C (p.Phe95Ser)

Gene: TBC1D24 (TBC1 domain family member 24; plus strand). Cytogenetic location: 16p13.3.
Variant type: single nucleotide variant.
Coding change: c.284T>C on transcript NM_001199107.2 (MANE Select); coding-DNA position 284, T replaced by C.
Protein change: p.Phe95Ser; replaces phenylalanine 95 with serine.
Molecular consequence: missense variant.
Genome position (GRCh38, 1-based): chr16:2,496,432, T>C. VCF-style: chr16-2496432-T-C. GRCh37 (hg19) VCF-style: chr16-2546433-T-C.
Other names: c.284T>C, p.Phe95Ser (NM_020705.3); short protein forms F95S.
Identifiers: ClinVar variation 2125298 (VCV002125298.4), dbSNP rs2505512941, ClinGen allele CA394375333.